The following is an entry in ClinVar:

NM_004006.3(DMD):c.1159A>G (p.Met387Val)

Gene: DMD (dystrophin; minus strand). Cytogenetic location: Xp21.1.
Variant type: single nucleotide variant.
Coding change: c.1159A>G on transcript NM_004006.3 (MANE Select); coding-DNA position 1159, A replaced by G.
Protein change: p.Met387Val; replaces methionine 387 with valine.
Molecular consequence: missense variant.
Genome position (GRCh38, 1-based): chrX:32,644,304, T>C on the plus strand (A>G on the coding strand, the complement: DMD is on the minus strand). VCF-style: chrX-32644304-T-C. GRCh37 (hg19) VCF-style: chrX-32662421-T-C.
Other names: c.1135A>G, p.Met379Val (NM_000109.4); c.1147A>G, p.Met383Val (NM_004009.3); c.790A>G, p.Met264Val (NM_004010.3); short protein forms M387V, M379V, M264V, M383V.
Identifiers: ClinVar variation 239598 (VCV000239598.22), dbSNP rs770202940, ClinGen allele CA10379951.
Genomic context (GRCh38, chrX:32,644,304, plus strand): 5'-TCAGCTTACTTCCCAATTGTAGAATATTACCAACCCGGCCCTGATGGGCTGTCAAATCCA[T>C]CATGTACCCCTGACAAAGAAGGAAGTTAACAATTGTAATTAGAACTCTAGGTAAATCGGT-3'
Protein context (NP_003997.2, residues 377-397): DQFHTHEGYM[Met387Val]DLTAHQGRVG

ClinVar aggregate classification (germline): Conflicting classifications of pathogenicity. Review status: criteria provided, conflicting classifications (1 of 4 stars). 6 submissions from 6 submitters: Uncertain significance (3); Likely benign (3). Last evaluated 2026-01-19.

Conditions:
Cardiovascular phenotype. Identifiers: MedGen CN230736.
Duchenne muscular dystrophy (DMD). Also called: Duchenne Muscular Dystrophy (DMD); MUSCULAR DYSTROPHY, PSEUDOHYPERTROPHIC PROGRESSIVE, DUCHENNE TYPE. Identifiers: Orphanet 98896, MedGen C0013264, MONDO:0010679, OMIM 310200.

Allele frequency attached by ClinVar (database versions not stated): ExAC 0.00001; TOPMed 0.00001; gnomAD exomes 0.00003 and 0.00006; gnomAD 0.00004.
gnomAD v4.1: 73 of 1,208,621 alleles (0.006%); highest among the groups gnomAD compares: Non-Finnish European, 0.0079%; no homozygotes.

Submissions (6):

Labcorp Genetics (formerly Invitae), Labcorp
Classification: Likely benign for Duchenne muscular dystrophy. Last evaluated: 2026-01-19. Review status: criteria provided, single submitter. Criteria: Invitae Variant Classification Sherloc (09022015). Collection method: clinical testing. Allele origin: germline.

Blueprint Genetics
Classification: Likely benign. Last evaluated: 2024-09-20. Review status: criteria provided, single submitter. Criteria: ACMG Guidelines, 2015. Collection method: clinical testing. Allele origin: germline.

Ambry Genetics
Classification: Uncertain significance for Cardiovascular phenotype. Last evaluated: 2023-02-06. Review status: criteria provided, single submitter. Criteria: Ambry Variant Classification Scheme 2023. Collection method: clinical testing. Allele origin: germline.
Comment: The p.M387V variant (also known as c.1159A>G), located in coding exon 11 of the DMD gene, results from an A to G substitution at nucleotide position 1159. The methionine at codon 387 is replaced by valine, an amino acid with highly similar properties. Based on data from gnomAD, the G allele has an overall frequency of <0.01% (8/204746) total alleles studied, with 1 hemizygote(s) observed. The highest observed frequency was <0.01% (8/92345) of European (non-Finnish) alleles. This amino acid position is well conserved in available vertebrate species. In addition, this alteration is predicted to be tolerated by in silico analysis. Since supporting evidence is limited at this time, the clinical significance of this alteration remains unclear.

GeneDx
Classification: Likely benign. Last evaluated: 2020-09-22. Review status: criteria provided, single submitter. Criteria: GeneDx Variant Classification Process June 2021. Collection method: clinical testing. Allele origin: germline. Affected: yes.

Laboratory for Molecular Medicine, Mass General Brigham Personalized Medicine
Classification: Uncertain significance. Last evaluated: 2017-03-06. Review status: criteria provided, single submitter. Criteria: LMM Criteria. Collection method: clinical testing. Allele origin: germline. Observed: 2 variant alleles.
Comment: The p.Met387Val variant has not been previously reported in individuals with myo pathy, but has been reported in ClinVar (Variation ID# 239598). This variant has been identified in 6/90307 European chromosomes, including one hemizygote, by t he Genome Aggregation Database (gnomAD; dbSNP rs770202940). The affected amino acid is not well conserved in evolution with 5 fish species carrying a valine (Val), but computational prediction tools do not provide strong support for or against an impact to the protein. In summary, the clinical significance of the p.Met387Val variant is uncertain.

Eurofins Ntd Llc (ga)
Classification: Uncertain significance. Last evaluated: 2016-01-14. Review status: criteria provided, single submitter. Criteria: EGL Classification Definitions 2015. Collection method: clinical testing. Allele origin: germline. Observed: 1 variant allele, 1 heterozygote.